The following is an entry in ClinVar:

NM_001127178.3(PIGG):c.2251G>A (p.Asp751Asn)

Gene: PIGG (phosphatidylinositol glycan anchor biosynthesis class G (EMM blood group); plus strand). Cytogenetic location: 4p16.3.
Variant type: single nucleotide variant.
Coding change: c.2251G>A on transcript NM_001127178.3 (MANE Select); coding-DNA position 2251, G replaced by A.
Protein change: p.Asp751Asn; replaces aspartic acid 751 with asparagine.
Molecular consequence: missense variant. On other transcripts: non-coding transcript variant (10).
Genome position (GRCh38, 1-based): chr4:527,220, G>A. VCF-style: chr4-527220-G-A. GRCh37 (hg19) VCF-style: chr4-521009-G-A.
Other names: c.1984G>A, p.Asp662Asn (NM_001289051.2, NM_001345986.2); c.1852G>A, p.Asp618Asn (NM_001289052.2); c.1960G>A, p.Asp654Asn (NM_001345987.2); c.1222G>A, p.Asp408Asn (NM_001345988.2); c.718G>A, p.Asp240Asn (NM_001345990.2, NM_001345991.2); c.1153G>A, p.Asp385Asn (NM_001345994.2); c.2227G>A, p.Asp743Asn (NM_017733.5); short protein forms D751N, D240N, D385N, D662N, D408N, D618N, D654N, D743N.
Identifiers: ClinVar variation 542878 (VCV000542878.7), dbSNP rs1247112586, ClinGen allele CA355909183.

ClinVar aggregate classification (germline): Uncertain significance. Review status: criteria provided, multiple submitters, no conflicts (2 of 4 stars). 2 submissions from 2 submitters: Uncertain significance (2). Last evaluated 2022-09-07.

Conditions:
Intellectual disability, autosomal recessive 53 (NEDHSCA). Also called: NEURODEVELOPMENTAL DISORDER WITH OR WITHOUT HYPOTONIA, SEIZURES, AND CEREBELLAR ATROPHY; GLYCOSYLPHOSPHATIDYLINOSITOL BIOSYNTHESIS DEFECT 13; Mental retardation, autosomal recessive 53. Identifiers: Orphanet 488635, MedGen C4310794, MONDO:0014832, OMIM 616917.

Allele frequency attached by ClinVar (database versions not stated): gnomAD exomes below 0.00001 and 0.00001; TOPMed below 0.00001; gnomAD 0.00001.
gnomAD v4.1: 9 of 1,592,160 alleles (0.00057%); highest among the groups gnomAD compares: African/African-American, 0.0013%; no homozygotes.

Submissions (2):

Labcorp Genetics (formerly Invitae), Labcorp
Classification: Uncertain significance for Intellectual disability, autosomal recessive 53. Last evaluated: 2022-09-07. Review status: criteria provided, single submitter. Criteria: Invitae Variant Classification Sherloc (09022015). Collection method: clinical testing. Allele origin: germline.
Comment: This sequence change replaces aspartic acid, which is acidic and polar, with asparagine, which is neutral and polar, at codon 751 of the PIGG protein (p.Asp751Asn). This variant is present in population databases (no rsID available, gnomAD 0.001%). This variant has not been reported in the literature in individuals affected with PIGG-related conditions. ClinVar contains an entry for this variant (Variation ID: 542878). Algorithms developed to predict the effect of missense changes on protein structure and function (SIFT, PolyPhen-2, Align-GVGD) all suggest that this variant is likely to be tolerated. In summary, the available evidence is currently insufficient to determine the role of this variant in disease. Therefore, it has been classified as a Variant of Uncertain Significance.

Breakthrough Genomics
Classification: Uncertain significance. Review status: criteria provided, single submitter. Criteria: ACMG Guidelines, 2015. Collection method: not provided. Allele origin: germline. Inheritance: Autosomal recessive inheritance. Affected: yes.